The following is an entry in ClinVar:

NM_001142800.2(EYS):c.8441C>T (p.Ser2814Phe)

Genes: EYS (EGF-like photoreceptor maintenance factor; minus strand), PHF3 (PHD finger protein 3; plus strand). Cytogenetic location: 6q12.
Variant type: single nucleotide variant.
Coding change: c.8441C>T on transcript NM_001142800.2 (MANE Select); coding-DNA position 8441, C replaced by T.
Protein change: p.Ser2814Phe; replaces serine 2814 with phenylalanine.
Molecular consequence: missense variant. On other transcripts: 3 prime UTR variant (5).
Genome position (GRCh38, 1-based): chr6:63,721,590, G>A on the plus strand (C>T on the coding strand, the complement: EYS is on the minus strand). VCF-style: chr6-63721590-G-A. GRCh37 (hg19) VCF-style: chr6-64431486-G-A.
Other names: c.*7882G>A (NM_001290259.2, NM_001370348.2, NM_001370349.2 and 2 more transcripts); c.8504C>T, p.Ser2835Phe (NM_001292009.2); short protein forms S2814F, S2835F.
Identifiers: ClinVar variation 1017048 (VCV001017048.8), dbSNP rs1768393395, ClinGen allele CA364384829.

ClinVar aggregate classification (germline): Uncertain significance (1 of 4 stars; one submission).

Submission:

Labcorp Genetics (formerly Invitae), Labcorp
Classification: Uncertain significance. Last evaluated: 2022-07-19. Review status: criteria provided, single submitter. Criteria: Invitae Variant Classification Sherloc (09022015). Collection method: clinical testing. Allele origin: germline.
Comment: In summary, the available evidence is currently insufficient to determine the role of this variant in disease. Therefore, it has been classified as a Variant of Uncertain Significance. Algorithms developed to predict the effect of missense changes on protein structure and function output the following: SIFT: "Deleterious"; PolyPhen-2: "Benign"; Align-GVGD: "Class C15". The phenylalanine amino acid residue is found in multiple mammalian species, which suggests that this missense change does not adversely affect protein function. ClinVar contains an entry for this variant (Variation ID: 1017048). This variant has not been reported in the literature in individuals affected with EYS-related conditions. This variant is not present in population databases (gnomAD no frequency). This sequence change replaces serine, which is neutral and polar, with phenylalanine, which is neutral and non-polar, at codon 2814 of the EYS protein (p.Ser2814Phe).